The following is an entry in ClinVar:

ClinVar aggregate classification (germline): Likely benign (1 of 4 stars; one submission).

gnomAD v4.1: 21 of 1,290,252 alleles (0.0016%); highest among the groups gnomAD compares: Non-Finnish European, 0.0019%; no homozygotes.

Submission:

CeGaT Center for Human Genetics Tuebingen
Classification: Likely benign. Last evaluated: 2025-03-01. Review status: criteria provided, single submitter. Criteria: CeGaT Center For Human Genetics Tuebingen Variant Classification Criteria Version 2. Collection method: clinical testing. Allele origin: germline. Affected: yes. Observed: 1 variant allele.
Comment: BHLHE41: BP4, BP7

NM_030762.3(BHLHE41):c.876C>T (p.Gly292=)

Genes: BHLHE41 (basic helix-loop-helix family member e41; minus strand), SSPN (sarcospan; plus strand). Cytogenetic location: 12p12.1.
Variant type: single nucleotide variant.
Coding change: c.876C>T on transcript NM_030762.3 (MANE Select); coding-DNA position 876, C replaced by T.
Protein change: p.Gly292=; no amino-acid change (glycine 292 retained).
Molecular consequence: synonymous variant.
Genome position (GRCh38, 1-based): chr12:26,122,639, G>A on the plus strand (C>T on the coding strand, the complement: BHLHE41 is on the minus strand). VCF-style: chr12-26122639-G-A. GRCh37 (hg19) VCF-style: chr12-26275572-G-A.
Identifiers: ClinVar variation 3778300 (VCV003778300.7).
Genomic context (GRCh38, chr12:26,122,639, plus strand): 5'-CGCGGCGGCAGGGTCGGGCCCCAGAAGCGCGGCTGCCGCCGCCGCCGCGCCGCCCCCCGG[G>A]CCGCCGCCGCTGCCGCCGCCGCGGGAATCCAGCTTCATCCTCTTGGGCGCCGGCGAGTCC-3'
Protein context (NP_110389.1, residues 282-302): LDSRGGGSGG[Gly292=]PGGGAAAAAA